The following is an entry in ClinVar:

NM_021072.4(HCN1):c.1657G>A (p.Val553Ile)

Gene: HCN1 (hyperpolarization activated cyclic nucleotide gated potassium channel 1; minus strand). Cytogenetic location: 5p12.
Variant type: single nucleotide variant.
Coding change: c.1657G>A on transcript NM_021072.4 (MANE Select); coding-DNA position 1657, G replaced by A.
Protein change: p.Val553Ile; replaces valine 553 with isoleucine.
Molecular consequence: missense variant.
Genome position (GRCh38, 1-based): chr5:45,267,215, C>T on the plus strand (G>A on the coding strand, the complement: HCN1 is on the minus strand). VCF-style: chr5-45267215-C-T. GRCh37 (hg19) VCF-style: chr5-45267317-C-T.
Other names: short protein forms V553I.
Identifiers: ClinVar variation 963677 (VCV000963677.10), dbSNP rs924134838, ClinGen allele CA118278938.
Genomic context (GRCh38, chr5:45,267,215, plus strand): 5'-GGACCTCGTTGAAATTGTCCACGGAAAGTGAGTAAAGACGACAATATGTATCAGCTCGAA[C>T]ACTGGCAGTACGACGTCCTTTGGTCAGCAGGCAAATCTCTATAAAAACAAACAACAAAGA-3'
Protein context (NP_066550.2, residues 543-563): LLTKGRRTAS[Val553Ile]RADTYCRLYS

ClinVar aggregate classification (germline): Uncertain significance (1 of 4 stars; one submission).

Conditions:
Early-infantile DEE. Also called: Ohtahara syndrome; Early infantile epileptic encephalopathy with suppression bursts; Early infantile epileptic encephalopathy. Identifiers: Orphanet 1934, MedGen C0393706, MONDO:0800491.

Allele frequency attached by ClinVar (database versions not stated): gnomAD exomes below 0.00001; TOPMed 0.00001; gnomAD 0.00002.
gnomAD v4.1: 4 of 1,613,932 alleles (0.00025%); highest among the groups gnomAD compares: African/African-American, 0.0053%; no homozygotes.

Submission:

Labcorp Genetics (formerly Invitae), Labcorp
Classification: Uncertain significance for Early-infantile DEE. Last evaluated: 2019-09-10. Review status: criteria provided, single submitter. Criteria: Invitae Variant Classification Sherloc (09022015). Collection method: clinical testing. Allele origin: germline.
Comment: In summary, the available evidence is currently insufficient to determine the role of this variant in disease. Therefore, it has been classified as a Variant of Uncertain Significance. Algorithms developed to predict the effect of missense changes on protein structure and function (SIFT, PolyPhen-2, Align-GVGD) all suggest that this variant is likely to be disruptive, but these predictions have not been confirmed by published functional studies and their clinical significance is uncertain. This variant has not been reported in the literature in individuals with HCN1-related conditions. This variant is not present in population databases (ExAC no frequency). This sequence change replaces valine with isoleucine at codon 553 of the HCN1 protein (p.Val553Ile). The valine residue is highly conserved and there is a small physicochemical difference between valine and isoleucine.